The following is an entry in ClinVar:

ClinVar aggregate classification (germline): Uncertain significance (1 of 4 stars; one submission).

Conditions:
Pheochromocytoma. Also called: MAX-Related Hereditary Paraganglioma-Pheochromocytoma Syndrome. Identifiers: Orphanet 29072, MedGen C0031511, MONDO:0008233, OMIM 171300, HP:0002666.
Pheochromocytoma/paraganglioma syndrome 4. Also called: CAROTID BODY TUMORS AND MULTIPLE EXTRAADRENAL PHEOCHROMOCYTOMAS; PARAGANGLIOMA, FAMILIAL MALIGNANT; PARAGANGLIOMAS, HEREDITARY EXTRAADRENAL; PHEOCHROMOCYTOMA, FAMILIAL EXTRAADRENAL; Paragangliomas 4; SDHB-Related Hereditary Paraganglioma-Pheochromocytoma Syndrome (Paragangliomas 4). Identifiers: Orphanet 29072, MedGen C1861848, MONDO:0007273, OMIM 115310.
Gastrointestinal stromal tumor. Also called: Gastrointestinal stroma tumor; Gastrointestinal stromal tumor, somatic. Identifiers: Orphanet 44890, MedGen C0238198, MeSH D046152, MONDO:0011719, OMIM 606764, HP:0100723.

Submission:

Labcorp Genetics (formerly Invitae), Labcorp
Classification: Uncertain significance for Gastrointestinal stromal tumor; Pheochromocytoma/paraganglioma syndrome 4; Pheochromocytoma. Last evaluated: 2022-02-10. Review status: criteria provided, single submitter. Criteria: Invitae Variant Classification Sherloc (09022015). Collection method: clinical testing. Allele origin: germline.
Comment: This sequence change replaces valine, which is neutral and non-polar, with alanine, which is neutral and non-polar, at codon 211 of the SDHB protein (p.Val211Ala). This variant is not present in population databases (gnomAD no frequency). This variant has not been reported in the literature in individuals affected with SDHB-related conditions. Algorithms developed to predict the effect of missense changes on protein structure and function (SIFT, PolyPhen-2, Align-GVGD) all suggest that this variant is likely to be disruptive. In summary, the available evidence is currently insufficient to determine the role of this variant in disease. Therefore, it has been classified as a Variant of Uncertain Significance.

NM_003000.3(SDHB):c.632T>C (p.Val211Ala)

Gene: SDHB (succinate dehydrogenase complex iron sulfur subunit B; minus strand). Cytogenetic location: 1p36.13.
Variant type: single nucleotide variant.
Coding change: c.632T>C on transcript NM_003000.3 (MANE Select); coding-DNA position 632, T replaced by C.
Protein change: p.Val211Ala; replaces valine 211 with alanine.
Molecular consequence: missense variant.
Genome position (GRCh38, 1-based): chr1:17,023,983, A>G on the plus strand (T>C on the coding strand, the complement: SDHB is on the minus strand). VCF-style: chr1-17023983-A-G. GRCh37 (hg19) VCF-style: chr1-17350478-A-G.
Other names: short protein forms V211A.
Identifiers: ClinVar variation 1396386 (VCV001396386.17), dbSNP rs2101516246, ClinGen allele CA338270941.
Genomic context (GRCh38, chr1:17,023,983, plus strand): 5'-CTGGATGCTTGAGTTTCAATTTCTCTTAAAGCAATTAAGGAGCACCTCACCTGCATAAGA[A>G]CTGCAGGCCCCAGATATTTGTCTCCGTTCCACCAGTAGCTGGGGCAGCTGGTGCTACAGC-3'
Protein context (NP_002991.2, residues 201-221): WNGDKYLGPA[Val211Ala]LMQAYRWMID